The following is an entry in ClinVar:

ClinVar aggregate classification (germline): Uncertain significance (1 of 4 stars; one submission).

Submission:

Labcorp Genetics (formerly Invitae), Labcorp
Classification: Uncertain significance. Last evaluated: 2022-06-13. Review status: criteria provided, single submitter. Criteria: Invitae Variant Classification Sherloc (09022015). Collection method: clinical testing. Allele origin: germline.
Comment: This variant is not present in population databases (gnomAD no frequency). This sequence change replaces histidine, which is basic and polar, with tyrosine, which is neutral and polar, at codon 245 of the ABHD12 protein (p.His245Tyr). In summary, the available evidence is currently insufficient to determine the role of this variant in disease. Therefore, it has been classified as a Variant of Uncertain Significance. Algorithms developed to predict the effect of missense changes on protein structure and function are either unavailable or do not agree on the potential impact of this missense change (SIFT: "Deleterious"; PolyPhen-2: "Probably Damaging"; Align-GVGD: "Class C0"). This variant has not been reported in the literature in individuals affected with ABHD12-related conditions.

NM_001042472.3(ABHD12):c.733C>T (p.His245Tyr)

Genes: ABHD12 (abhydrolase domain containing 12, lysophospholipase; minus strand), LOC126863008 (CDK7 strongly-dependent group 2 enhancer GRCh37_chr20:25289826-25291025; plus strand). Cytogenetic location: 20p11.21.
Variant type: single nucleotide variant.
Coding change: c.733C>T on transcript NM_001042472.3 (MANE Select); coding-DNA position 733, C replaced by T.
Protein change: p.His245Tyr; replaces histidine 245 with tyrosine.
Molecular consequence: missense variant.
Genome position (GRCh38, 1-based): chr20:25,309,462, G>A on the plus strand (C>T on the coding strand, the complement: ABHD12 is on the minus strand). VCF-style: chr20-25309462-G-A. GRCh37 (hg19) VCF-style: chr20-25290098-G-A.
Other names: c.733C>T, p.His245Tyr (NM_015600.5); short protein forms H245Y.
Identifiers: ClinVar variation 1497156 (VCV001497156.8), dbSNP rs2145935774, ClinGen allele CA408456085.
Genomic context (GRCh38, chr20:25,309,462, plus strand): 5'-ATACTGACTCCCACTAAAGGCTGCCTCCTGCTGGGGTCCCTTACCCAGTGCCCAGAGAGT[G>A]GCCCCAGATGTACACGGGGTTGTCACCACTTCTTGCTTTGATCCAGTCAAAAACGTGGAG-3'
Protein context (NP_001035937.1, residues 235-255): SGDNPVYIWG[His245Tyr]SLGTGVATNL